The following is an entry in ClinVar:

ClinVar aggregate classification (germline): Uncertain significance (1 of 4 stars; one submission).

Conditions:
Supravalvar aortic stenosis (SVAS). Also called: Supravalvar aortic stenosis, Eisenberg type. Identifiers: Orphanet 3193, MedGen C0003499, MONDO:0008504, OMIM 185500, HP:0004381.

Submission:

Labcorp Genetics (formerly Invitae), Labcorp
Classification: Uncertain significance for Supravalvar aortic stenosis. Last evaluated: 2024-09-15. Review status: criteria provided, single submitter. Criteria: Invitae Variant Classification Sherloc (09022015). Collection method: clinical testing. Allele origin: germline.
Comment: This sequence change replaces alanine, which is neutral and non-polar, with valine, which is neutral and non-polar, at codon 106 of the ELN protein (p.Ala106Val). This variant is not present in population databases (gnomAD no frequency). This variant has not been reported in the literature in individuals affected with ELN-related conditions. Invitae Evidence Modeling of protein sequence and biophysical properties (such as structural, functional, and spatial information, amino acid conservation, physicochemical variation, residue mobility, and thermodynamic stability) indicates that this missense variant is not expected to disrupt ELN protein function with a negative predictive value of 80%. In summary, the available evidence is currently insufficient to determine the role of this variant in disease. Therefore, it has been classified as a Variant of Uncertain Significance.

NM_000501.4(ELN):c.317C>T (p.Ala106Val)

Gene: ELN (elastin; plus strand). Cytogenetic location: 7q11.23.
Variant type: single nucleotide variant.
Coding change: c.317C>T on transcript NM_000501.4 (MANE Select); coding-DNA position 317, C replaced by T.
Protein change: p.Ala106Val; replaces alanine 106 with valine.
Molecular consequence: missense variant.
Genome position (GRCh38, 1-based): chr7:74,042,698, C>T. VCF-style: chr7-74042698-C-T. GRCh37 (hg19) VCF-style: chr7-73457028-C-T.
Other names: c.287C>T, p.Ala96Val (NM_001081752.3, NM_001278914.2, NM_001278917.2 and 1 more transcripts); c.317C>T, p.Ala106Val (NM_001081753.3, NM_001081754.3, NM_001081755.3 and 4 more transcripts); c.281C>T, p.Ala94Val (NM_001278913.2); short protein forms A96V, A106V, A94V.
Identifiers: ClinVar variation 3653847 (VCV003653847.2).